The following is an entry in ClinVar:

ClinVar aggregate classification (germline): Uncertain significance. Review status: criteria provided, multiple submitters, no conflicts (2 of 4 stars). 2 submissions from 2 submitters: Uncertain significance (2). Last evaluated 2024-02-22.

Conditions:
Familial adenomatous polyposis 1 (FAP1). Also called: FAMILIAL ADENOMATOUS POLYPOSIS 1, ATTENUATED; POLYPOSIS, ADENOMATOUS INTESTINAL. Identifiers: MedGen C2713442, MONDO:0021056, OMIM 175100. Disease mechanism: loss of function.
Hereditary cancer-predisposing syndrome. Also called: Tumor predisposition; Hereditary Cancer Syndrome; Hereditary neoplastic syndrome; Neoplastic Syndromes, Hereditary. Identifiers: Orphanet 140162, MedGen C0027672, MeSH D009386, MONDO:0015356.

Submissions (2):

Ambry Genetics
Classification: Uncertain significance for Hereditary cancer-predisposing syndrome. Last evaluated: 2024-02-22. Review status: criteria provided, single submitter. Criteria: Ambry Variant Classification Scheme 2023. Collection method: clinical testing. Allele origin: germline.
Comment: The p.I1662M variant (also known as c.4986C>G), located in coding exon 15 of the APC gene, results from a C to G substitution at nucleotide position 4986. The isoleucine at codon 1662 is replaced by methionine, an amino acid with highly similar properties. This amino acid position is well conserved in available vertebrate species. In addition, in silico predictors for this gene do not accurately predict pathogenicity. Based on the available evidence, the clinical significance of this alteration remains unclear.

Labcorp Genetics (formerly Invitae), Labcorp
Classification: Uncertain significance for Familial adenomatous polyposis 1. Last evaluated: 2017-02-15. Review status: criteria provided, single submitter. Criteria: Invitae Variant Classification Sherloc (09022015). Collection method: clinical testing. Allele origin: germline.
Comment: In summary, this variant is a novel missense change with uncertain impact on protein function. It has been classified as a Variant of Uncertain Significance. Algorithms developed to predict the effect of missense changes on protein structure and function do not agree on the potential impact of this missense change (SIFT: "Deleterious"; PolyPhen-2: "Benign"; Align-GVGD: "Class C0"). This variant is not present in population databases (ExAC no frequency) and has not been reported in the literature in individuals with a APC-related disease. This sequence change replaces isoleucine with methionine at codon 1662 of the APC protein (p.Ile1662Met). The isoleucine residue is highly conserved and there is a small physicochemical difference between isoleucine and methionine.

NM_000038.6(APC):c.4986C>G (p.Ile1662Met)

Gene: APC (APC regulator of Wnt signaling pathway; plus strand). Cytogenetic location: 5q22.2.
Variant type: single nucleotide variant.
Coding change: c.4986C>G on transcript NM_000038.6 (MANE Select); coding-DNA position 4986, C replaced by G.
Protein change: p.Ile1662Met; replaces isoleucine 1662 with methionine.
Molecular consequence: missense variant.
Genome position (GRCh38, 1-based): chr5:112,840,580, C>G. VCF-style: chr5-112840580-C-G. GRCh37 (hg19) VCF-style: chr5-112176277-C-G.
Other names: c.4986C>G, p.Ile1662Met (NM_001127510.3, NM_001354895.2); c.4932C>G, p.Ile1644Met (NM_001127511.3); c.5040C>G, p.Ile1680Met (NM_001354896.2); c.5016C>G, p.Ile1672Met (NM_001354897.2); c.4911C>G, p.Ile1637Met (NM_001354898.2); c.4902C>G, p.Ile1634Met (NM_001354899.2); c.4863C>G, p.Ile1621Met (NM_001354900.2); c.4809C>G, p.Ile1603Met (NM_001354901.2); and 5 more; short protein forms I1662M, I1644M, I1561M, I1379M, I1536M, I1621M, I1634M, I1637M.
Identifiers: ClinVar variation 411377 (VCV000411377.14), dbSNP rs876658910, ClinGen allele CA16032245.